The following is an entry in ClinVar:

ClinVar aggregate classification (germline): Likely benign (1 of 4 stars; one submission).

Allele frequency attached by ClinVar (database versions not stated): 1000 Genomes Project 30x 0.00156; ExAC 0.00175; 1000 Genomes Project 0.00180; gnomAD 0.00219; TOPMed 0.00227; ESP Exome Variant Server 0.00284; gnomAD exomes 0.00390.

Submission:

CeGaT Center for Human Genetics Tuebingen
Classification: Likely benign. Last evaluated: 2024-03-01. Review status: criteria provided, single submitter. Criteria: CeGaT Center For Human Genetics Tuebingen Variant Classification Criteria Version 2. Collection method: clinical testing. Allele origin: germline. Affected: yes. Observed: 3 variant alleles.
Comment: TTC5: BP4, BP7

NM_138376.3(TTC5):c.954C>T (p.Thr318=)

Genes: TTC5 (tetratricopeptide repeat domain 5; minus strand), LOC126861878 (CDK7 strongly-dependent group 2 enhancer GRCh37_chr14:20763215-20764414; plus strand). Cytogenetic location: 14q11.2.
Variant type: single nucleotide variant.
Coding change: c.954C>T on transcript NM_138376.3 (MANE Select); coding-DNA position 954, C replaced by T.
Protein change: p.Thr318=; no amino-acid change (threonine 318 retained).
Molecular consequence: synonymous variant.
Genome position (GRCh38, 1-based): chr14:20,295,416, G>A on the plus strand (C>T on the coding strand, the complement: TTC5 is on the minus strand). VCF-style: chr14-20295416-G-A. GRCh37 (hg19) VCF-style: chr14-20763575-G-A.
Identifiers: ClinVar variation 2644040 (VCV002644040.24), dbSNP rs117492206, ClinGen allele CA7076863.